The following is an entry in ClinVar:

ClinVar aggregate classification (germline): Uncertain significance (1 of 4 stars; one submission).

Conditions:
Hereditary cancer-predisposing syndrome. Also called: Hereditary Cancer Syndrome; Neoplastic Syndromes, Hereditary; Tumor predisposition; Hereditary neoplastic syndrome. Identifiers: Orphanet 140162, MedGen C0027672, MeSH D009386, MONDO:0015356.

Submission:

Ambry Genetics
Classification: Uncertain significance for Hereditary cancer-predisposing syndrome. Last evaluated: 2026-08-18. Review status: criteria provided, single submitter. Criteria: Ambry Variant Classification Scheme 2023. Collection method: clinical testing. Allele origin: germline.
Comment: The p.L657M variant (also known as c.1969C>A), located in coding exon 17 of the EGFR gene, results from a C to A substitution at nucleotide position 1969. The leucine at codon 657 is replaced by methionine, an amino acid with highly similar properties. This amino acid position is conserved. In addition, this alteration is predicted to be tolerated by in silico analysis. Based on the available evidence, the clinical significance of this variant remains unclear.

NM_005228.5(EGFR):c.1969C>A (p.Leu657Met)

Gene: EGFR (epidermal growth factor receptor; plus strand). Cytogenetic location: 7p11.2.
Variant type: single nucleotide variant.
Coding change: c.1969C>A on transcript NM_005228.5 (MANE Select); coding-DNA position 1969, C replaced by A.
Protein change: p.Leu657Met; replaces leucine 657 with methionine.
Molecular consequence: missense variant.
Genome position (GRCh38, 1-based): chr7:55,173,032, C>A. VCF-style: chr7-55173032-C-A. GRCh37 (hg19) VCF-style: chr7-55240725-C-A.
Other names: c.1834C>A, p.Leu612Met (NM_001346897.2, NM_001346899.2); c.1969C>A, p.Leu657Met (NM_001346898.2); c.1810C>A, p.Leu604Met (NM_001346900.2); c.1168C>A, p.Leu390Met (NM_001346941.2); short protein forms L390M, L612M, L604M, L657M.
Identifiers: ClinVar variation 5035824 (VCV005035824.1).
Genomic context (GRCh38, chr7:55,173,032, plus strand): 5'-CCTCATTCCAGGCCTAAGATCCCGTCCATCGCCACTGGGATGGTGGGGGCCCTCCTCTTG[C>A]TGCTGGTGGTGGCCCTGGGGATCGGCCTCTTCATGCGAAGGCGCCACATCGTTCGGAAGC-3'
Protein context (NP_005219.2, residues 647-667): ATGMVGALLL[Leu657Met]LVVALGIGLF